The following is an entry in ClinVar:

NM_000214.3(JAG1):c.2690_2694dup (p.Pro899fs)

Gene: JAG1 (jagged canonical Notch ligand 1; minus strand). Cytogenetic location: 20p12.2.
Variant type: Duplication.
Coding change: c.2690_2694dup on transcript NM_000214.3 (MANE Select); coding-DNA positions 2690 to 2694, 5 bases duplicated (GTGGC; older notation c.2690_2694dupGTGGC).
Protein change: p.Pro899fs; shifts the reading frame from proline 899.
Molecular consequence: frameshift variant.
Genome position (GRCh38, 1-based): chr20:10,641,682-10,641,686, GCCAC duplicated on the plus strand (GTGGC on the coding strand, the reverse complement: JAG1 is on the minus strand). VCF-style (leftmost placement, unchanged base first): chr20-10641681-G-GGCCAC. GRCh37 (hg19) VCF-style: chr20-10622329-G-GGCCAC.
Other names: short protein forms P899fs.
Identifiers: ClinVar variation 2637352 (VCV002637352.1), dbSNP rs2514509349, ClinGen allele CA2695201389.

ClinVar aggregate classification (germline): Pathogenic (1 of 4 stars; one submission).

Conditions:
JAG1-related disorder. Also called: JAG1-related condition; JAG1-related disorders.

Submission:

PreventionGenetics, part of Exact Sciences
Classification: Pathogenic for JAG1-related condition. Last evaluated: 2022-09-08. Review status: criteria provided, single submitter. Criteria: ACMG Guidelines, 2015. Collection method: clinical testing. Allele origin: germline.
Comment: The JAG1 c.2690_2694dup5 variant is predicted to result in a frameshift and premature protein termination (p.Pro899Valfs*48). This variant was reported in an individual with Alagille syndrome (AGS Family 2, Li et al 1997. PubMed ID: 9207788). This variant has not been reported in a large population database, indicating this variant is rare. Frameshift variants in JAG1 are expected to be pathogenic. This variant is interpreted as pathogenic.